The following is an entry in ClinVar:

NM_022356.4(P3H1):c.1930C>A (p.Gln644Lys)

Gene: P3H1 (prolyl 3-hydroxylase 1; minus strand). Cytogenetic location: 1p34.2.
Variant type: single nucleotide variant.
Coding change: c.1930C>A on transcript NM_022356.4 (MANE Select); coding-DNA position 1930, C replaced by A.
Protein change: p.Gln644Lys; replaces glutamine 644 with lysine.
Molecular consequence: missense variant.
Genome position (GRCh38, 1-based): chr1:42,747,397, G>T on the plus strand (C>A on the coding strand, the complement: P3H1 is on the minus strand). VCF-style: chr1-42747397-G-T. GRCh37 (hg19) VCF-style: chr1-43213068-G-T.
Other names: c.1930C>A, p.Gln644Lys (NM_001243246.2, NM_001146289.2); short protein forms Q644K.
Identifiers: ClinVar variation 468979 (VCV000468979.21), dbSNP rs3738497, ClinGen allele CA801637.

ClinVar aggregate classification (germline): Conflicting classifications of pathogenicity. Review status: criteria provided, conflicting classifications (1 of 4 stars). 4 submissions from 3 submitters: Uncertain significance (1); Benign (1); Likely benign (2). Last evaluated 2026-01-28.

Conditions:
Osteogenesis imperfecta type 8 (OI8). Identifiers: MedGen C1970458, MONDO:0012581, OMIM 610915.
Osteogenesis Imperfecta, Recessive.

Allele frequency attached by ClinVar (database versions not stated): ESP Exome Variant Server 0.00039; TOPMed 0.00072; gnomAD exomes 0.00245 and 0.00483; gnomAD 0.00321 and 0.00322; 1000 Genomes Project 30x 0.00328; 1000 Genomes Project 0.00419; ExAC 0.00492.

Submissions (5):

Labcorp Genetics (formerly Invitae), Labcorp
Classification: Benign for Osteogenesis imperfecta type 8. Last evaluated: 2026-01-28. Review status: criteria provided, single submitter. Criteria: Invitae Variant Classification Sherloc (09022015). Collection method: clinical testing. Allele origin: germline.

GeneDx
Classification: Likely benign. Last evaluated: 2020-01-22. Review status: criteria provided, single submitter. Criteria: GeneDx Variant Classification Process June 2021. Collection method: clinical testing. Allele origin: germline. Affected: yes.

Illumina Laboratory Services, Illumina
Classification: Uncertain significance for Osteogenesis imperfecta type 8. Last evaluated: 2018-01-13. Review status: criteria provided, single submitter. Criteria: ICSL Variant Classification Criteria 13 December 2019. Collection method: clinical testing. Allele origin: germline.

Illumina Laboratory Services, Illumina
Classification: Likely benign for Osteogenesis Imperfecta, Recessive. Last evaluated: 2017-04-27. Review status: criteria provided, single submitter. Criteria: ICSL Variant Classification Criteria 13 December 2019. Collection method: clinical testing. Allele origin: germline.
Comment: This variant was observed as part of a predisposition screen in an ostensibly healthy population. A literature search was performed for the gene, cDNA change, and amino acid change (where applicable). No publications were found based on this search. Allele frequency data from public databases allowed determination this variant is unlikely to cause disease. Therefore, this variant is classified as likely benign.

Dr. Peter K. Rogan Lab, Western University
No classification provided (evidence only). Condition: Ovarian serous cystadenocarcinoma. Review status: no classification provided. Collection method: in vitro. Allele origin: not applicable. Functional consequence: retained intron. Not counted in ClinVar's aggregate classification.